The following is an entry in ClinVar:

ClinVar aggregate classification (germline): Conflicting classifications of pathogenicity. Review status: criteria provided, conflicting classifications (1 of 4 stars). 3 submissions from 3 submitters: Uncertain significance (2); Benign (1). Last evaluated 2025-10-17.

Conditions:
Cardiovascular phenotype. Identifiers: MedGen CN230736.
Noonan syndrome 9 (NS9). Identifiers: Orphanet 648, MedGen C4225282, MONDO:0014691, OMIM 616559.

Allele frequency attached by ClinVar (database versions not stated): gnomAD exomes below 0.00001 and 0.00001; ExAC 0.00001; gnomAD 0.00005 and 0.00007; TOPMed 0.00008.

Submissions (3):

Labcorp Genetics (formerly Invitae), Labcorp
Classification: Benign for Noonan syndrome 9. Last evaluated: 2025-10-17. Review status: criteria provided, single submitter. Criteria: Invitae Variant Classification Sherloc (09022015). Collection method: clinical testing. Allele origin: germline.

Ambry Genetics
Classification: Uncertain significance for Cardiovascular phenotype. Last evaluated: 2025-08-03. Review status: criteria provided, single submitter. Criteria: Ambry Variant Classification Scheme 2023. Collection method: clinical testing. Allele origin: germline.
Comment: The p.V903M variant (also known as c.2707G>A), located in coding exon 17 of the SOS2 gene, results from a G to A substitution at nucleotide position 2707. The valine at codon 903 is replaced by methionine, an amino acid with highly similar properties. This amino acid position is conserved. In addition, this alteration is predicted to be tolerated by in silico analysis. Since supporting evidence is limited at this time, the clinical significance of this alteration remains unclear.

Women's Health and Genetics/Laboratory Corporation of America, LabCorp
Classification: Uncertain significance. Last evaluated: 2023-07-29. Review status: criteria provided, single submitter. Criteria: LabCorp Variant Classification Summary - May 2015. Collection method: clinical testing. Allele origin: germline.

NM_006939.4(SOS2):c.2707G>A (p.Val903Met)

Gene: SOS2 (SOS Ras/Rho guanine nucleotide exchange factor 2; minus strand). Cytogenetic location: 14q21.3.
Variant type: single nucleotide variant.
Coding change: c.2707G>A on transcript NM_006939.4 (MANE Select); coding-DNA position 2707, G replaced by A.
Protein change: p.Val903Met; replaces valine 903 with methionine.
Molecular consequence: missense variant.
Genome position (GRCh38, 1-based): chr14:50,140,020, C>T on the plus strand (G>A on the coding strand, the complement: SOS2 is on the minus strand). VCF-style: chr14-50140020-C-T. GRCh37 (hg19) VCF-style: chr14-50606738-C-T.
Other names: c.2707G>A (NM_006939.3); short protein forms V903M.
Identifiers: ClinVar variation 953241 (VCV000953241.14), dbSNP rs745788940, ClinGen allele CA7176963.